The following is an entry in ClinVar:

NM_015047.3(EMC1):c.2765T>C (p.Ile922Thr)

Genes: EMC1 (ER membrane protein complex subunit 1; minus strand), EMC1-AS1 (EMC1 antisense RNA 1; plus strand). Cytogenetic location: 1p36.13.
Variant type: single nucleotide variant.
Coding change: c.2765T>C on transcript NM_015047.3 (MANE Select); coding-DNA position 2765, T replaced by C.
Protein change: p.Ile922Thr; replaces isoleucine 922 with threonine.
Molecular consequence: missense variant.
Genome position (GRCh38, 1-based): chr1:19,219,606, A>G on the plus strand (T>C on the coding strand, the complement: EMC1 is on the minus strand). VCF-style: chr1-19219606-A-G. GRCh37 (hg19) VCF-style: chr1-19546100-A-G.
Other names: c.2762T>C, p.Ile921Thr (NM_001271427.2, NM_001271428.2); c.2699T>C, p.Ile900Thr (NM_001271429.2); c.2774T>C, p.Ile925Thr (NM_001375820.1); c.2771T>C, p.Ile924Thr (NM_001375821.1); short protein forms I900T, I921T, I922T, I924T, I925T.
Identifiers: ClinVar variation 1714212 (VCV001714212.6), dbSNP rs2536637534, ClinGen allele CA338749836.

ClinVar aggregate classification (germline): Uncertain significance (1 of 4 stars; one submission).

Allele frequency attached by ClinVar (database versions not stated): gnomAD exomes below 0.00001.
gnomAD v4.1: 1 of 1,614,118 alleles (0.000062%); highest among the groups gnomAD compares: African/African-American, 0.0013%; no homozygotes.

Submission:

Labcorp Genetics (formerly Invitae), Labcorp
Classification: Uncertain significance. Last evaluated: 2025-05-16. Review status: criteria provided, single submitter. Criteria: Invitae Variant Classification Sherloc (09022015). Collection method: clinical testing. Allele origin: germline.
Comment: This sequence change replaces isoleucine, which is neutral and non-polar, with threonine, which is neutral and polar, at codon 922 of the EMC1 protein (p.Ile922Thr). This variant is not present in population databases (gnomAD no frequency). This variant has not been reported in the literature in individuals affected with EMC1-related conditions. ClinVar contains an entry for this variant (Variation ID: 1714212). Invitae Evidence Modeling of protein sequence and biophysical properties (such as structural, functional, and spatial information, amino acid conservation, physicochemical variation, residue mobility, and thermodynamic stability) indicates that this missense variant is expected to disrupt EMC1 protein function with a positive predictive value of 80%. In summary, the available evidence is currently insufficient to determine the role of this variant in disease. Therefore, it has been classified as a Variant of Uncertain Significance.